The following is an entry in ClinVar:

ClinVar aggregate classification (germline): Uncertain significance (1 of 4 stars; one submission).

Conditions:
STXBP5-related disorder. Also called: STXBP5-related condition.

Allele frequency attached by ClinVar (database versions not stated): ExAC 0.00001; gnomAD exomes 0.00001; TOPMed 0.00002; 1000 Genomes Project 30x 0.00016; 1000 Genomes Project 0.00020.
gnomAD v4.1: 8 of 1,614,052 alleles (0.0005%); highest among the groups gnomAD compares: East Asian, 0.0067%; no homozygotes.

Submission:

PreventionGenetics, part of Exact Sciences
Classification: Uncertain significance for STXBP5-related condition. Last evaluated: 2023-04-04. Review status: criteria provided, single submitter. Criteria: ACMG Guidelines, 2015. Collection method: clinical testing. Allele origin: germline.
Comment: The STXBP5 c.2356A>G variant is predicted to result in the amino acid substitution p.Ile786Val. To our knowledge, this variant has not been reported in the literature. This variant is reported in 0.0054% of alleles in individuals of East Asian descent in gnomAD. At this time, the clinical significance of this variant is uncertain due to the absence of conclusive functional and genetic evidence.

NM_001127715.4(STXBP5):c.2356A>G (p.Ile786Val)

Gene: STXBP5 (syntaxin binding protein 5; plus strand). Cytogenetic location: 6q24.3.
Variant type: single nucleotide variant.
Coding change: c.2356A>G on transcript NM_001127715.4 (MANE Select); coding-DNA position 2356, A replaced by G.
Protein change: p.Ile786Val; replaces isoleucine 786 with valine.
Molecular consequence: missense variant.
Genome position (GRCh38, 1-based): chr6:147,359,134, A>G. VCF-style: chr6-147359134-A-G. GRCh37 (hg19) VCF-style: chr6-147680270-A-G.
Other names: c.2308A>G, p.Ile770Val (NM_001394409.1); c.2248A>G, p.Ile750Val (NM_139244.6); short protein forms I750V, I770V, I786V.
Identifiers: ClinVar variation 2633433 (VCV002633433.1), dbSNP rs562086945, ClinGen allele CA4039271.
Genomic context (GRCh38, chr6:147,359,134, plus strand): 5'-ACCATTTCAGATGTAAAGGATAACTCCTTTAGCCGATCACGGAGTTCAAGTGTAACAAGC[A>G]TTGACAAAGAATCCCGAGAAGCGATCTCCGCTCTTCATTTCTGTGAAACGTTTACTCGAA-3'
Protein context (NP_001121187.1, residues 776-796): SRSRSSSVTS[Ile786Val]DKESREAISA